The following is an entry in ClinVar:

NM_006767.4(LZTR1):c.2181C>G (p.Ile727Met)

Gene: LZTR1 (leucine zipper like post translational regulator 1; plus strand). Cytogenetic location: 22q11.21.
Variant type: single nucleotide variant.
Coding change: c.2181C>G on transcript NM_006767.4 (MANE Select); coding-DNA position 2181, C replaced by G.
Protein change: p.Ile727Met; replaces isoleucine 727 with methionine.
Molecular consequence: missense variant.
Genome position (GRCh38, 1-based): chr22:20,996,074, C>G. VCF-style: chr22-20996074-C-G. GRCh37 (hg19) VCF-style: chr22-21350363-C-G.
Other names: short protein forms I727M.
Identifiers: ClinVar variation 3238213 (VCV003238213.1), dbSNP rs2518624663.
Genomic context (GRCh38, chr22:20,996,074, plus strand): 5'-CATCTCCATCGGGGAGATGGTGCCCAGCAGGCAGGCCTTCGAGTCCATGCTGCGCTACAT[C>G]TACTACGGCGAGGTCAACATGCCGCCCGAGGACTCGCTGCATCCTCACTCCCCAGTGAAC-3'
Protein context (NP_006758.2, residues 717-737): RQAFESMLRY[Ile727Met]YYGEVNMPPE

ClinVar aggregate classification (germline): Uncertain significance (1 of 4 stars; one submission).

Conditions:
Hereditary cancer-predisposing syndrome. Also called: Neoplastic Syndromes, Hereditary; Tumor predisposition; Hereditary neoplastic syndrome; Hereditary Cancer Syndrome. Identifiers: Orphanet 140162, MedGen C0027672, MeSH D009386, MONDO:0015356.
Cardiovascular phenotype. Identifiers: MedGen CN230736.

Submission:

Ambry Genetics
Classification: Uncertain significance for Cardiovascular phenotype; Hereditary cancer-predisposing syndrome. Last evaluated: 2024-01-11. Review status: criteria provided, single submitter. Criteria: Ambry Variant Classification Scheme 2023. Collection method: clinical testing. Allele origin: germline.
Comment: The p.I727M variant (also known as c.2181C>G), located in coding exon 18 of the LZTR1 gene, results from a C to G substitution at nucleotide position 2181. The isoleucine at codon 727 is replaced by methionine, an amino acid with highly similar properties. This amino acid position is conserved. In addition, this alteration is predicted to be deleterious by in silico analysis. Since supporting evidence is limited at this time, the clinical significance of this alteration remains unclear.